The following is an entry in ClinVar:

ClinVar aggregate classification (germline): Pathogenic (1 of 4 stars; one submission).

Conditions:
Cystinuria (CSNU). Also called: Cystinuria, non-type I; CYSTINURIA, TYPE I; CYSTINURIA, TYPE II; CYSTINURIA, TYPE III. Identifiers: Orphanet 214, MedGen C0010691, MONDO:0009067, OMIM 220100, HP:0003131.

gnomAD v4.1: 4 of 1,613,994 alleles (0.00025%); highest among the groups gnomAD compares: Non-Finnish European, 0.00017%; no homozygotes.

Submission:

MVZ Medizinische Genetik Mainz
Classification: Pathogenic for Cystinuria. Last evaluated: 2023-09-26. Review status: criteria provided, single submitter. Criteria: UK Practice Guidelines For Variant Classification V4 01 2020. Collection method: clinical testing. Allele origin: germline. Inheritance: Autosomal recessive inheritance. Affected: yes. Observed: 1 variant allele.
Comment: ACMG Criteria: PVS1,PM3_STR,PM2_SUP,PP4; Compound Heterozygote

NM_000341.4(SLC3A1):c.792G>A (p.Trp264Ter)

Gene: SLC3A1 (solute carrier family 3 member 1; plus strand). Cytogenetic location: 2p21.
Variant type: single nucleotide variant.
Coding change: c.792G>A on transcript NM_000341.4 (MANE Select); coding-DNA position 792, G replaced by A.
Protein change: p.Trp264Ter; replaces tryptophan 264 with a stop codon.
Molecular consequence: nonsense.
Genome position (GRCh38, 1-based): chr2:44,286,058, G>A. VCF-style: chr2-44286058-G-A. GRCh37 (hg19) VCF-style: chr2-44513197-G-A.
Other names: short protein forms W264*.
Identifiers: ClinVar variation 4857304 (VCV004857304.1).